The following is an entry in ClinVar:

NM_005045.4(RELN):c.2461C>T (p.Pro821Ser)

Gene: RELN (reelin; minus strand). Cytogenetic location: 7q22.1.
Variant type: single nucleotide variant.
Coding change: c.2461C>T on transcript NM_005045.4 (MANE Select); coding-DNA position 2461, C replaced by T.
Protein change: p.Pro821Ser; replaces proline 821 with serine.
Molecular consequence: missense variant.
Genome position (GRCh38, 1-based): chr7:103,635,429, G>A on the plus strand (C>T on the coding strand, the complement: RELN is on the minus strand). VCF-style: chr7-103635429-G-A. GRCh37 (hg19) VCF-style: chr7-103275876-G-A.
Other names: c.2461C>T, p.Pro821Ser (NM_173054.3); short protein forms P821S.
Identifiers: ClinVar variation 933977 (VCV000933977.8), dbSNP rs988934092, ClinGen allele CA163925517.

ClinVar aggregate classification (germline): Uncertain significance. Review status: criteria provided, multiple submitters, no conflicts (2 of 4 stars). 2 submissions from 2 submitters: Uncertain significance (2). Last evaluated 2023-07-19.

Conditions:
Norman-Roberts syndrome (LIS2). Also called: Lissencephaly 2 (Norman-Roberts type). Identifiers: Orphanet 89844, MedGen C0796089, MONDO:0009760, OMIM 257320.
Familial temporal lobe epilepsy 7. Identifiers: Orphanet 101046, MedGen C4225327, MONDO:0014639, OMIM 616436.
Inborn genetic diseases. Identifiers: MedGen C0950123, MeSH D030342.

Allele frequency attached by ClinVar (database versions not stated): gnomAD exomes below 0.00001.
gnomAD v4.1: 4 of 1,613,796 alleles (0.00025%); highest among the groups gnomAD compares: Non-Finnish European, 0.00034%; no homozygotes.

Submissions (2):

Ambry Genetics
Classification: Uncertain significance for Inborn genetic diseases. Last evaluated: 2023-07-19. Review status: criteria provided, single submitter. Criteria: Ambry Variant Classification Scheme 2023. Collection method: clinical testing. Allele origin: germline.

Labcorp Genetics (formerly Invitae), Labcorp
Classification: Uncertain significance for Familial temporal lobe epilepsy 7; Norman-Roberts syndrome. Last evaluated: 2022-01-01. Review status: criteria provided, single submitter. Criteria: Invitae Variant Classification Sherloc (09022015). Collection method: clinical testing. Allele origin: germline.
Comment: This sequence change replaces proline, which is neutral and non-polar, with serine, which is neutral and polar, at codon 821 of the RELN protein (p.Pro821Ser). This variant is not present in population databases (gnomAD no frequency). This variant has not been reported in the literature in individuals affected with RELN-related conditions. ClinVar contains an entry for this variant (Variation ID: 933977). Algorithms developed to predict the effect of missense changes on protein structure and function are either unavailable or do not agree on the potential impact of this missense change (SIFT: "Deleterious"; PolyPhen-2: "Benign"; Align-GVGD: "Class C0"). In summary, the available evidence is currently insufficient to determine the role of this variant in disease. Therefore, it has been classified as a Variant of Uncertain Significance.